The following is an entry in ClinVar:

NM_001927.4(DES):c.629C>T (p.Ala210Val)

Gene: DES (desmin; plus strand). Cytogenetic location: 2q35.
Variant type: single nucleotide variant.
Coding change: c.629C>T on transcript NM_001927.4 (MANE Select); coding-DNA position 629, C replaced by T.
Protein change: p.Ala210Val; replaces alanine 210 with valine.
Molecular consequence: missense variant.
Genome position (GRCh38, 1-based): chr2:219,420,145, C>T. VCF-style: chr2-219420145-C-T. GRCh37 (hg19) VCF-style: chr2-220284867-C-T.
Other names: c.629C>T (LRG_380t1); short protein forms A210V.
Identifiers: ClinVar variation 411143 (VCV000411143.9), dbSNP rs1060503169, ClinGen allele CA16610613.

ClinVar aggregate classification (germline): Uncertain significance (1 of 4 stars; one submission).

Conditions:
Desmin-related myofibrillar myopathy (MFM1). Also called: Desminopathy; Desmin related myopathy (former name); Desmin storage myopathy (former name); MYOFIBRILLAR MYOPATHY WITH ARRHYTHMOGENIC RIGHT VENTRICULAR CARDIOMYOPATHY; DESMIN-RELATED MYOPATHY WITH ARRHYTHMOGENIC RIGHT VENTRICULAR CARDIOMYOPATHY; Myofibrillar myopathy 1. Identifiers: Orphanet 363543, Orphanet 98909, MedGen C1832370, MONDO:0011076, OMIM 601419.

Submission:

Labcorp Genetics (formerly Invitae), Labcorp
Classification: Uncertain significance for Desmin-related myofibrillar myopathy. Last evaluated: 2016-11-30. Review status: criteria provided, single submitter. Criteria: Invitae Variant Classification Sherloc (09022015). Collection method: clinical testing. Allele origin: germline.
Comment: In summary, this variant is a novel missense change that is not predicted to affect protein function. There is no indication that it causes disease, but the available evidence is currently insufficient to prove that conclusively. Therefore, it has been classified as a Variant of Uncertain Significance. Algorithms developed to predict the effect of missense changes on protein structure and function (SIFT, PolyPhen-2, Align-GVGD) all suggest that this variant is likely to be tolerated, but these predictions have not been confirmed by published functional studies. This variant is not present in population databases (ExAC no frequency) and has not been reported in the literature in individuals with a DES-related disease. This sequence change replaces alanine with valine at codon 210 of the DES protein (p.Ala210Val). The alanine residue is highly conserved and there is a small physicochemical difference between alanine and valine.